The following is an entry in ClinVar:

NM_015272.5(RPGRIP1L):c.1062A>T (p.Glu354Asp)

Gene: RPGRIP1L (RPGRIP1 like; minus strand). Cytogenetic location: 16q12.2.
Variant type: single nucleotide variant.
Coding change: c.1062A>T on transcript NM_015272.5 (MANE Select); coding-DNA position 1062, A replaced by T.
Protein change: p.Glu354Asp; replaces glutamic acid 354 with aspartic acid.
Molecular consequence: missense variant.
Genome position (GRCh38, 1-based): chr16:53,671,551, T>A on the plus strand (A>T on the coding strand, the complement: RPGRIP1L is on the minus strand). VCF-style: chr16-53671551-T-A. GRCh37 (hg19) VCF-style: chr16-53705463-T-A.
Other names: c.1062A>T, p.Glu354Asp (NM_001127897.4, NM_001308334.3, NM_001330538.2); short protein forms E354D.
Identifiers: ClinVar variation 2074493 (VCV002074493.4), dbSNP rs2151236607, ClinGen allele CA395922625.
Genomic context (GRCh38, chr16:53,671,551, plus strand): 5'-ACATGGAATCACGATTTACCTGTCATAAAGTTTATCATAGTTTTCCTTTAAAAGTTCCCG[T>A]TCCTTTTCTAAATCATTAATTCTATCCTGCAGCTAAAATGAAAATAAAATTACATATTAA-3'
Protein context (NP_056087.2, residues 344-364): LQDRINDLEK[Glu354Asp]RELLKENYDK

ClinVar aggregate classification (germline): Uncertain significance (1 of 4 stars; one submission).

Conditions:
Joubert syndrome. Also called: CEREBELLOPARENCHYMAL DISORDER IV; JOUBERT-BOLTSHAUSER SYNDROME; Familial aplasia of the vermis. Identifiers: Orphanet 475, MedGen C5979921, MONDO:0018772.
Meckel-Gruber syndrome. Also called: DYSENCEPHALIA SPLANCHNOCYSTICA; GRUBER SYNDROME; Dysencephalia splachnocystica. Identifiers: Orphanet 564, MedGen C0265215, MONDO:0018921.

Submission:

Labcorp Genetics (formerly Invitae), Labcorp
Classification: Uncertain significance for Joubert syndrome; Meckel-Gruber syndrome. Last evaluated: 2022-01-04. Review status: criteria provided, single submitter. Criteria: Invitae Variant Classification Sherloc (09022015). Collection method: clinical testing. Allele origin: germline.
Comment: This sequence change replaces glutamic acid, which is acidic and polar, with aspartic acid, which is acidic and polar, at codon 354 of the RPGRIP1L protein (p.Glu354Asp). This variant is not present in population databases (gnomAD no frequency). This variant has not been reported in the literature in individuals affected with RPGRIP1L-related conditions. Algorithms developed to predict the effect of missense changes on protein structure and function (SIFT, PolyPhen-2, Align-GVGD) all suggest that this variant is likely to be disruptive. In summary, the available evidence is currently insufficient to determine the role of this variant in disease. Therefore, it has been classified as a Variant of Uncertain Significance.